The following is an entry in ClinVar:

ClinVar aggregate classification (germline): Uncertain significance. Review status: criteria provided, single submitter (1 of 4 stars). 2 submissions from 2 submitters: Uncertain significance (1). 1 of the submissions does not count toward it. Last evaluated 2021-10-12.

Conditions:
Walker-Warburg congenital muscular dystrophy. Also called: Muscular dystrophy-dystroglycanopathy, type A; Walker-Warburg syndrome. Identifiers: Orphanet 899, MedGen C0265221, MONDO:0000171.

Allele frequency attached by ClinVar (database versions not stated): gnomAD exomes below 0.00001; TOPMed below 0.00001; ExAC 0.00001.
gnomAD v4.1: 2 of 1,602,150 alleles (0.00012%); highest among the groups gnomAD compares: Non-Finnish European, 0.000086%; no homozygotes.

Submissions (2):

Labcorp Genetics (formerly Invitae), Labcorp
Classification: Uncertain significance for Walker-Warburg congenital muscular dystrophy. Last evaluated: 2021-10-12. Review status: criteria provided, single submitter. Criteria: Invitae Variant Classification Sherloc (09022015). Collection method: clinical testing. Allele origin: germline.
Comment: This sequence change replaces glutamine with histidine at codon 325 of the FKTN protein (p.Gln325His). The glutamine residue is moderately conserved and there is a small physicochemical difference between glutamine and histidine. This variant is present in population databases (rs774410536, ExAC 0.002%). This variant has not been reported in the literature in individuals affected with FKTN-related conditions. Algorithms developed to predict the effect of missense changes on protein structure and function (SIFT, PolyPhen-2, Align-GVGD) all suggest that this variant is likely to be tolerated. In summary, the available evidence is currently insufficient to determine the role of this variant in disease. Therefore, it has been classified as a Variant of Uncertain Significance.

Natera, Inc.
Classification: Uncertain significance for Walker-Warburg congenital muscular dystrophy. Last evaluated: 2020-04-19. Review status: no assertion criteria provided. Collection method: clinical testing. Allele origin: germline. Not counted in ClinVar's aggregate classification.

NM_001079802.2(FKTN):c.975A>C (p.Gln325His)

Gene: FKTN (fukutin; plus strand). Cytogenetic location: 9q31.2.
Variant type: single nucleotide variant.
Coding change: c.975A>C on transcript NM_001079802.2 (MANE Select); coding-DNA position 975, A replaced by C.
Protein change: p.Gln325His; replaces glutamine 325 with histidine.
Molecular consequence: missense variant. On other transcripts: non-coding transcript variant (1).
Genome position (GRCh38, 1-based): chr9:105,618,023, A>C. VCF-style: chr9-105618023-A-C. GRCh37 (hg19) VCF-style: chr9-108380304-A-C.
Other names: c.579A>C, p.Gln193His (NM_001351502.2, NM_001351499.2, NM_001351500.2 and 1 more transcripts); c.975A>C, p.Gln325His (NM_006731.2, NM_001198963.2, NM_001351496.2 and 1 more transcripts); c.906A>C, p.Gln302His (NM_001351497.2); short protein forms Q193H, Q302H, Q325H.
Identifiers: ClinVar variation 1059399 (VCV001059399.8), dbSNP rs774410536, ClinGen allele CA5170541.